The following is an entry in ClinVar:

ClinVar aggregate classification (germline): Uncertain significance (1 of 4 stars; one submission).

Conditions:
COL11A1-related disorder. Also called: COL11A1-related condition; COL11A1-related disorders.

gnomAD v4.1: 14 of 1,612,470 alleles (0.00087%); highest among the groups gnomAD compares: Middle Eastern, 0.017%; no homozygotes.

Submission:

PreventionGenetics, part of Exact Sciences
Classification: Uncertain significance for COL11A1-related condition. Last evaluated: 2026-04-24. Review status: criteria provided, single submitter. Criteria: ACMG Guidelines, 2015. Collection method: clinical testing. Allele origin: germline.
Comment: The COL11A1 c.803A>G variant is predicted to result in the amino acid substitution p.Lys268Arg. To our knowledge, this variant has not been reported in the literature. This variant is reported in 0.023% of alleles in individuals of Latino descent in gnomAD. At this time, the clinical significance of this variant is uncertain due to the absence of conclusive functional and genetic evidence.

NM_001854.4(COL11A1):c.897+286A>G

Gene: COL11A1 (collagen type XI alpha 1 chain; minus strand). Cytogenetic location: 1p21.1.
Variant type: single nucleotide variant.
Coding change: c.897+286A>G on transcript NM_001854.4 (MANE Select); 286 bases into the intron after coding-DNA position 897, A replaced by G.
Molecular consequence: intron variant. On other transcripts: missense variant (1).
Genome position (GRCh38, 1-based): chr1:103,025,930, T>C on the plus strand (A>G on the coding strand, the complement: COL11A1 is on the minus strand). VCF-style: chr1-103025930-T-C. GRCh37 (hg19) VCF-style: chr1-103491486-T-C.
Other names: c.803A>G, p.Lys268Arg (NM_080629.3); c.781-317A>G (NM_001190709.2); c.897+286A>G (NM_080630.4); short protein forms K268R.
Identifiers: ClinVar variation 4977258 (VCV004977258.1).